The following is an entry in ClinVar:

NM_002180.3(IGHMBP2):c.314T>C (p.Ile105Thr)

Gene: IGHMBP2 (immunoglobulin mu DNA binding protein 2; plus strand). Cytogenetic location: 11q13.3.
Variant type: single nucleotide variant.
Coding change: c.314T>C on transcript NM_002180.3 (MANE Select); coding-DNA position 314, T replaced by C.
Protein change: p.Ile105Thr; replaces isoleucine 105 with threonine.
Molecular consequence: missense variant.
Genome position (GRCh38, 1-based): chr11:68,908,202, T>C. VCF-style: chr11-68908202-T-C. GRCh37 (hg19) VCF-style: chr11-68675670-T-C.
Other names: short protein forms I105T.
Identifiers: ClinVar variation 970901 (VCV000970901.10), dbSNP rs1858278685, ClinGen allele CA381643118.
Genomic context (GRCh38, chr11:68,908,202, plus strand): 5'-CAGGTGATATCGTGGGCCTGTACGATGCTGCTAATGAGGGCAGTCAGCTGGCCACTGGGA[T>C]CTTGACCCGGGTCACCCAGAAGTCGGTCACGGTGGCCTTTGATGAGTCCCACGATTTCCA-3'
Protein context (NP_002171.2, residues 95-115): ANEGSQLATG[Ile105Thr]LTRVTQKSVT

ClinVar aggregate classification (germline): Uncertain significance (1 of 4 stars; one submission).

Conditions:
Autosomal recessive distal spinal muscular atrophy 1. Also called: SEVERE INFANTILE AXONAL NEUROPATHY WITH RESPIRATORY FAILURE; SPINAL MUSCULAR ATROPHY, DIAPHRAGMATIC; Spinal muscular atrophy with respiratory distress 1; HMN VI; NEURONOPATHY, SEVERE INFANTILE AXONAL, WITH RESPIRATORY FAILURE; NEURONOPATHY, DISTAL HEREDITARY MOTOR, HARDING TYPE VI. Identifiers: Orphanet 98920, MedGen C1858517, MONDO:0011436, OMIM 604320.
Charcot-Marie-Tooth disease axonal type 2S. Also called: CHARCOT-MARIE-TOOTH NEUROPATHY, TYPE 2S; CHARCOT-MARIE-TOOTH DISEASE, AXONAL, AUTOSOMAL RECESSIVE, TYPE 2S. Identifiers: Orphanet 443073, MedGen C4015349, MONDO:0014511, OMIM 616155.

Submission:

Labcorp Genetics (formerly Invitae), Labcorp
Classification: Uncertain significance for Autosomal recessive distal spinal muscular atrophy 1; Charcot-Marie-Tooth disease axonal type 2S. Last evaluated: 2019-10-12. Review status: criteria provided, single submitter. Criteria: Invitae Variant Classification Sherloc (09022015). Collection method: clinical testing. Allele origin: germline.
Comment: In summary, the available evidence is currently insufficient to determine the role of this variant in disease. Therefore, it has been classified as a Variant of Uncertain Significance. Algorithms developed to predict the effect of missense changes on protein structure and function are either unavailable or do not agree on the potential impact of this missense change (SIFT: "Deleterious"; PolyPhen-2: "Benign"; Align-GVGD: "Class C0"). This variant has not been reported in the literature in individuals with IGHMBP2-related conditions. This variant is not present in population databases (ExAC no frequency). This sequence change replaces isoleucine with threonine at codon 105 of the IGHMBP2 protein (p.Ile105Thr). The isoleucine residue is weakly conserved and there is a moderate physicochemical difference between isoleucine and threonine.